The following is an entry in ClinVar:

ClinVar aggregate classification (germline): Uncertain significance (1 of 4 stars; one submission).

Submission:

Labcorp Genetics (formerly Invitae), Labcorp
Classification: Uncertain significance. Last evaluated: 2024-06-13. Review status: criteria provided, single submitter. Criteria: Invitae Variant Classification Sherloc (09022015). Collection method: clinical testing. Allele origin: germline.
Comment: This sequence change replaces proline, which is neutral and non-polar, with leucine, which is neutral and non-polar, at codon 267 of the BCL11B protein (p.Pro267Leu). This variant is not present in population databases (gnomAD no frequency). This variant has not been reported in the literature in individuals affected with BCL11B-related conditions. Advanced modeling of protein sequence and biophysical properties (such as structural, functional, and spatial information, amino acid conservation, physicochemical variation, residue mobility, and thermodynamic stability) performed at Invitae indicates that this missense variant is not expected to disrupt BCL11B protein function with a negative predictive value of 80%. In summary, the available evidence is currently insufficient to determine the role of this variant in disease. Therefore, it has been classified as a Variant of Uncertain Significance.

NM_138576.4(BCL11B):c.800C>T (p.Pro267Leu)

Gene: BCL11B (BCL11 transcription factor B; minus strand). Cytogenetic location: 14q32.2.
Variant type: single nucleotide variant.
Coding change: c.800C>T on transcript NM_138576.4 (MANE Select); coding-DNA position 800, C replaced by T.
Protein change: p.Pro267Leu; replaces proline 267 with leucine.
Molecular consequence: missense variant.
Genome position (GRCh38, 1-based): chr14:99,176,036, G>A on the plus strand (C>T on the coding strand, the complement: BCL11B is on the minus strand). VCF-style: chr14-99176036-G-A. GRCh37 (hg19) VCF-style: chr14-99642373-G-A.
Other names: c.797C>T, p.Pro266Leu (NM_001282237.2); c.584C>T, p.Pro195Leu (NM_001282238.2); c.587C>T, p.Pro196Leu (NM_022898.3); short protein forms P195L, P267L, P266L, P196L.
Identifiers: ClinVar variation 3697292 (VCV003697292.2).